The following is an entry in ClinVar:

NM_032531.4(KIRREL3):c.1995C>T (p.Gly665=)

Gene: KIRREL3 (kirre like nephrin family adhesion molecule 3; minus strand). Cytogenetic location: 11q24.2.
Variant type: single nucleotide variant.
Coding change: c.1995C>T on transcript NM_032531.4 (MANE Select); coding-DNA position 1995, C replaced by T.
Protein change: p.Gly665=; no amino-acid change (glycine 665 retained).
Molecular consequence: synonymous variant.
Genome position (GRCh38, 1-based): chr11:126,424,922, G>A on the plus strand (C>T on the coding strand, the complement: KIRREL3 is on the minus strand). VCF-style: chr11-126424922-G-A. GRCh37 (hg19) VCF-style: chr11-126294817-G-A.
Other names: c.1959C>T, p.Gly653= (NM_001301097.2).
Identifiers: ClinVar variation 129425 (VCV000129425.10), dbSNP rs948052, ClinGen allele CA153410.

ClinVar aggregate classification (germline): Benign. Review status: criteria provided, multiple submitters, no conflicts (2 of 4 stars). 3 submissions from 3 submitters: Benign (2). 1 of the submissions does not count toward it. Last evaluated 2019-01-22.

Allele frequency attached by ClinVar (database versions not stated): ExAC 0.67128; gnomAD exomes 0.63216 and 0.66144; ESP Exome Variant Server 0.66483; gnomAD 0.66811 and 0.66887; TOPMed 0.66841; 1000 Genomes Project 30x 0.70097; 1000 Genomes Project 0.70367.
gnomAD v4.1: 1,020,741 of 1,604,440 alleles (64%); highest among the groups gnomAD compares: East Asian, 89%; 327,436 homozygotes.

Submissions (3):

GeneDx
Classification: Benign. Last evaluated: 2019-01-22. Review status: criteria provided, single submitter. Criteria: GeneDx Variant Classification Process June 2021. Collection method: clinical testing. Allele origin: germline. Affected: yes.

Breakthrough Genomics
Classification: Benign. Review status: criteria provided, single submitter. Criteria: ACMG Guidelines, 2015. Collection method: not provided. Allele origin: germline. Inheritance: Unknown mechanism. Affected: yes.

Genetic Services Laboratory, University of Chicago
Classification: Likely benign for AllHighlyPenetrant. Review status: no assertion criteria provided. Collection method: clinical testing. Allele origin: germline. Inheritance: Autosomal dominant inheritance. Not counted in ClinVar's aggregate classification.
Comment: Likely benign based on allele frequency in 1000 Genomes Project or ESP global frequency and its presence in a patient with a rare or unrelated disease phenotype. NOT Sanger confirmed.